The following is an entry in ClinVar:

NM_018896.5(CACNA1G):c.6943C>G (p.Pro2315Ala)

Gene: CACNA1G (calcium voltage-gated channel subunit alpha1 G; plus strand). Cytogenetic location: 17q21.33.
Variant type: single nucleotide variant.
Coding change: c.6943C>G on transcript NM_018896.5 (MANE Select); coding-DNA position 6943, C replaced by G.
Protein change: p.Pro2315Ala; replaces proline 2315 with alanine.
Molecular consequence: missense variant. On other transcripts: non-coding transcript variant (5).
Genome position (GRCh38, 1-based): chr17:50,626,560, C>G. VCF-style: chr17-50626560-C-G. GRCh37 (hg19) VCF-style: chr17-48703921-C-G.
Other names: c.6541C>G, p.Pro2181Ala (NM_198388.3); c.6841C>G, p.Pro2281Ala (NM_198396.3); c.6508C>G, p.Pro2170Ala (NM_001256331.2); c.6493C>G, p.Pro2165Ala (NM_001256332.2); c.6427C>G, p.Pro2143Ala (NM_001256333.2); c.6394C>G, p.Pro2132Ala (NM_001256334.2); c.6583C>G, p.Pro2195Ala (NM_001256359.2); c.6556C>G, p.Pro2186Ala (NM_001256360.2); and 18 more; short protein forms P2109A, P2132A, P2143A, P2165A, P2170A, P2177A, P2181A, P2184A.
Identifiers: ClinVar variation 1305722 (VCV001305722.4), dbSNP rs768911008, ClinGen allele CA8653761.

ClinVar aggregate classification (germline): Uncertain significance. Review status: criteria provided, multiple submitters, no conflicts (2 of 4 stars). 2 submissions from 2 submitters: Uncertain significance (2). Last evaluated 2025-01-02.

Conditions:
CACNA1G-related disorder. Also called: CACNA1G-related disorders; CACNA1G-related condition.

gnomAD v4.1: 4 of 1,591,032 alleles (0.00025%); highest among the groups gnomAD compares: South Asian, 0.0034%; no homozygotes.

Submissions (2):

PreventionGenetics, part of Exact Sciences
Classification: Uncertain significance for CACNA1G-related condition. Last evaluated: 2025-01-02. Review status: criteria provided, single submitter. Criteria: ACMG Guidelines, 2015. Collection method: clinical testing. Allele origin: germline.
Comment: The CACNA1G c.6943C>G variant is predicted to result in the amino acid substitution p.Pro2315Ala. To our knowledge, this variant has not been previously reported in association with CACNA1G-related disease. This variant was reported in a large cohort of individuals with Brugada syndrome (supplementary data, Di Resta et al. 2015. PubMed ID: 26220970, reported as g.48703921C>G). This variant is reported in 0.0039% of alleles in individuals of South Asian descent in gnomAD. At this time, the clinical significance of this variant is uncertain due to the absence of conclusive functional and genetic evidence.

GeneDx
Classification: Uncertain significance. Last evaluated: 2022-09-09. Review status: criteria provided, single submitter. Criteria: GeneDx Variant Classification Process June 2021. Collection method: clinical testing. Allele origin: germline. Affected: yes.
Comment: Observed as heterozygous variant in an individual with Brugada syndrome; however, no further clinical information was provided (Di Resta et al., 2015); In silico analysis supports that this missense variant has a deleterious effect on protein structure/function; Not observed at significant frequency in large population cohorts (gnomAD); This variant is associated with the following publications: (PMID: 26220970)